The following is an entry in ClinVar:

ClinVar aggregate classification (germline): Benign (1 of 4 stars; one submission).

Conditions:
Melanoma-pancreatic cancer syndrome. Identifiers: Orphanet 404560, MedGen C1838547, MONDO:0011713, OMIM 606719. Disease mechanism: loss of function.

Submission:

Myriad Genetics, Inc.
Classification: Benign for Melanoma-pancreatic cancer syndrome. Last evaluated: 2025-08-18. Review status: criteria provided, single submitter. Criteria: Myriad Autosomal Dominant, Autosomal Recessive and X-Linked Classification Criteria (2023). Collection method: clinical testing. Allele origin: unknown.
Comment: This variant is considered benign. This variant is intronic and is not expected to impact mRNA splicing.

NM_000077.5(CDKN2A):c.458-71A>T

Gene: CDKN2A (cyclin dependent kinase inhibitor 2A; minus strand). Cytogenetic location: 9p21.3.
Variant type: single nucleotide variant.
Coding change: c.458-71A>T on transcript NM_000077.5 (MANE Select); 71 bases into the intron before coding-DNA position 458, A replaced by T.
Molecular consequence: intron variant.
Genome position (GRCh38, 1-based): chr9:21,968,313, T>A on the plus strand (A>T on the coding strand, the complement: CDKN2A is on the minus strand). VCF-style: chr9-21968313-T-A. GRCh37 (hg19) VCF-style: chr9-21968312-T-A.
Other names: c.305-71A>T (NM_001363763.2); c.*102-71A>T (NM_058195.4); c.*151-71A>T (NM_001195132.2); c.*381-71A>T (NM_058197.5).
Identifiers: ClinVar variation 4294145 (VCV004294145.1).
Genomic context (GRCh38, chr9:21,968,313, plus strand): 5'-CAGAAAGAAAACAGGCGTTAGAAACCTGAGGTCAAAGATGTGTGGCACATCCCGCCCTCC[T>A]CTCTTGCCGTCCCTACCGGCATTGAAATACTTATGGATAAAGTTCTCGCAATGGCTTCAC-3'